The following is an entry in ClinVar:

NM_001320752.2(STS):c.910G>A (p.Gly304Arg)

Gene: STS (steroid sulfatase; plus strand). Cytogenetic location: Xp22.31.
Variant type: single nucleotide variant.
Coding change: c.910G>A on transcript NM_001320752.2 (MANE Select); coding-DNA position 910, G replaced by A.
Protein change: p.Gly304Arg; replaces glycine 304 with arginine.
Molecular consequence: missense variant.
Genome position (GRCh38, 1-based): chrX:7,276,054, G>A. VCF-style: chrX-7276054-G-A. GRCh37 (hg19) VCF-style: chrX-7194095-G-A.
Other names: c.910G>A, p.Gly304Arg (NM_000351.7, NM_001320753.2, NM_001320754.2); c.946G>A, p.Gly316Arg (NM_001320750.3, NM_001320751.2); short protein forms G304R, G316R.
Identifiers: ClinVar variation 3372224 (VCV003372224.2).

ClinVar aggregate classification (germline): Uncertain significance (1 of 4 stars; one submission).

gnomAD v4.1: 5 of 1,204,609 alleles (0.00042%); highest among the groups gnomAD compares: African/African-American, 0.0018%; no homozygotes.

Submission:

GeneDx
Classification: Uncertain significance. Last evaluated: 2025-06-09. Review status: criteria provided, single submitter. Criteria: GeneDx Variant Classification Process June 2021. Collection method: clinical testing. Allele origin: germline. Affected: yes.
Comment: Not observed at significant frequency in large population cohorts (gnomAD); In silico analysis supports that this missense variant has a deleterious effect on protein structure/function; Has not been previously published as pathogenic or benign to our knowledge